The following is an entry in ClinVar:

ClinVar aggregate classification (germline): Conflicting classifications of pathogenicity. Review status: criteria provided, conflicting classifications (1 of 4 stars). 3 submissions from 3 submitters: Likely pathogenic (1); Uncertain significance (2). Last evaluated 2025-11-05.

Allele frequency attached by ClinVar (database versions not stated): gnomAD exomes below 0.00001 and 0.00001; TOPMed 0.00011; gnomAD 0.00013 and 0.00014; ExAC 0.00001.
gnomAD v4.1: 25 of 1,614,014 alleles (0.0015%); highest among the groups gnomAD compares: African/African-American, 0.032%; no homozygotes.

Submissions (3):

Labcorp Genetics (formerly Invitae), Labcorp
Classification: Likely pathogenic. Last evaluated: 2025-11-05. Review status: criteria provided, single submitter. Criteria: Invitae Variant Classification Sherloc (09022015). Collection method: clinical testing. Allele origin: germline.
Comment: This sequence change replaces glutamic acid, which is acidic and polar, with aspartic acid, which is acidic and polar, at codon 891 of the ABCA4 protein (p.Glu891Asp). This variant is present in population databases (rs766079334, gnomAD 0.02%). This missense change has been observed in individual(s) with Stargardt disease (internal data). ClinVar contains an entry for this variant (Variation ID: 941963). Invitae Evidence Modeling of protein sequence and biophysical properties (such as structural, functional, and spatial information, amino acid conservation, physicochemical variation, residue mobility, and thermodynamic stability) indicates that this missense variant is not expected to disrupt ABCA4 protein function with a negative predictive value of 95%. In summary, the currently available evidence indicates that the variant is pathogenic, but additional data are needed to prove that conclusively. Therefore, this variant has been classified as Likely Pathogenic.

GeneDx
Classification: Uncertain significance. Last evaluated: 2023-04-21. Review status: criteria provided, single submitter. Criteria: GeneDx Variant Classification Process June 2021. Collection method: clinical testing. Allele origin: germline. Affected: yes.
Comment: In silico analysis supports that this missense variant does not alter protein structure/function; Has not been previously published as pathogenic or benign to our knowledge

Blueprint Genetics
Classification: Uncertain significance. Last evaluated: 2022-06-22. Review status: criteria provided, single submitter. Criteria: ACMG Guidelines, 2015. Collection method: clinical testing. Allele origin: germline.

NM_000350.3(ABCA4):c.2673A>T (p.Glu891Asp)

Gene: ABCA4 (ATP binding cassette subfamily A member 4; minus strand). Cytogenetic location: 1p22.1.
Variant type: single nucleotide variant.
Coding change: c.2673A>T on transcript NM_000350.3 (MANE Select); coding-DNA position 2673, A replaced by T.
Protein change: p.Glu891Asp; replaces glutamic acid 891 with aspartic acid.
Molecular consequence: missense variant.
Genome position (GRCh38, 1-based): chr1:94,048,938, T>A on the plus strand (A>T on the coding strand, the complement: ABCA4 is on the minus strand). VCF-style: chr1-94048938-T-A. GRCh37 (hg19) VCF-style: chr1-94514494-T-A.
Other names: c.2451A>T, p.Glu817Asp (NM_001425324.1); short protein forms E891D, E817D.
Identifiers: ClinVar variation 941963 (VCV000941963.9), dbSNP rs766079334, ClinGen allele CA958188.